The following is an entry in ClinVar:

NM_001130987.2(DYSF):c.5161C>T (p.Gln1721Ter)

Gene: DYSF (dysferlin; plus strand). Cytogenetic location: 2p13.2.
Variant type: single nucleotide variant.
Coding change: c.5161C>T on transcript NM_001130987.2 (MANE Select); coding-DNA position 5161, C replaced by T.
Protein change: p.Gln1721Ter; replaces glutamine 1721 with a stop codon.
Molecular consequence: nonsense.
Genome position (GRCh38, 1-based): chr2:71,664,425, C>T. VCF-style: chr2-71664425-C-T. GRCh37 (hg19) VCF-style: chr2-71891555-C-T.
Other names: NM_001130987.2(DYSF):c.5161C>T; p.Gln1721Ter; c.5047C>T, p.Gln1683Ter (NM_001130455.2); c.5002C>T, p.Gln1668Ter (NM_001130976.2); c.5065C>T, p.Gln1689Ter (NM_001130977.2); c.5107C>T, p.Gln1703Ter (NM_001130978.2); c.5137C>T, p.Gln1713Ter (NM_001130979.2); c.5095C>T, p.Gln1699Ter (NM_001130980.2); and 7 more; short protein forms Q1668*, Q1669*, Q1682*, Q1683*, Q1689*, Q1690*, Q1699*, Q1700*.
Identifiers: ClinVar variation 984127 (VCV000984127.11), dbSNP rs758992291, ClinGen allele CA1707263.

ClinVar aggregate classification (germline): Pathogenic. Review status: reviewed by expert panel (3 of 4 stars). 6 submissions from 6 submitters: Pathogenic (1). 5 of the submissions do not count toward it. Last evaluated 2025-07-29.

Conditions:
Autosomal recessive limb-girdle muscular dystrophy. Identifiers: Orphanet 102015, MedGen C2931907, MONDO:0015152.
Miyoshi muscular dystrophy 1 (MMD1). Identifiers: Orphanet 45448, MedGen C4551973, MONDO:0024545, OMIM 254130.
Autosomal recessive limb-girdle muscular dystrophy type 2B (LGMDR2). Also called: MUSCULAR DYSTROPHY, LIMB-GIRDLE, TYPE 3; Limb-girdle muscular dystrophy, type 2B; MUSCULAR DYSTROPHY, LIMB-GIRDLE, AUTOSOMAL RECESSIVE 2; Limb-Girdle Muscular Dystrophy Type 2B (LGMD2B). Identifiers: Orphanet 268, MedGen C1850889, MONDO:0009676, OMIM 253601.
Distal myopathy with anterior tibial onset. Identifiers: Orphanet 178400, MedGen C1847532, MONDO:0011721, OMIM 606768.

Allele frequency attached by ClinVar (database versions not stated): ExAC 0.00001; gnomAD exomes below 0.00001.
gnomAD v4.1: 1 of 1,614,176 alleles (0.000062%); highest among the groups gnomAD compares: South Asian, 0.0011%; no homozygotes.

Submissions (6):

ClinGen Limb Girdle Muscular Dystrophy Variant Curation Expert Panel, ClinGen
Classification: Pathogenic for Autosomal recessive limb-girdle muscular dystrophy. Last evaluated: 2025-07-29. Review status: reviewed by expert panel. Criteria: ClinGen LGMD VCEP ACMG Specifications DYSF V1.0.0. Collection method: curation. Allele origin: germline. Inheritance: Autosomal recessive inheritance.
Comment: The NM_003494.4: c.5044C>T p.(Gln1682Ter) variant in DYSF, which is also known as NM_001130987.2: c.5161C>T p.(Gln1721Ter), is a nonsense variant predicted to cause a premature stop codon in exon 45/55, leading to nonsense mediated decay in a gene in which loss of function is a known mechanism of disease (PVS1). This variant has been reported in trans with a second presumed diagnostic DYSF variant in an individual with progressive proximal muscle weakness (PMID: 32140910; PP4). This variant has also been shown to co-segregate with autosomal recessive LGMD in one affected family member (PMID: 32140910; PP1). The highest allele frequency for this variant is 0.00001098 in the South Asian population of gnomAD v4.1.0 (1/91086 chromosomes), which is less than the LGMD VCEP threshold for PM2_Supporting (0.0001), meeting this criterion (PM2_Supporting). In summary, this variant meets the criteria to be classified as Pathogenic for autosomal recessive limb girdle muscular dystrophy based on the ACMG/AMP criteria applied, as specified by the ClinGen LGMD VCEP (LGMD VCEP specifications version 1.0.0; 07/29/2025): PVS1, PP4, PP1, PM2_Supporting.

Women's Health and Genetics/Laboratory Corporation of America, LabCorp
Classification: Pathogenic for Autosomal recessive limb-girdle muscular dystrophy. Last evaluated: 2023-10-20. Review status: criteria provided, single submitter. Criteria: LabCorp Variant Classification Summary - May 2015. Collection method: clinical testing. Allele origin: germline. Not counted in ClinVar's aggregate classification.
Comment: Variant summary: DYSF c.5044C>T (p.Gln1682X) results in a premature termination codon, predicted to cause a truncation of the encoded protein or absence of the protein due to nonsense mediated decay, which are commonly known mechanisms for disease. The variant allele was found at a frequency of 4e-06 in 251442 control chromosomes. c.5044C>T has been reported in the literature in at least one compound heterozygous individual affected with Limb-Girdle Muscular Dystrophy, Autosomal Recessive (e.g. Borklu-Yucel_2020). To our knowledge, no experimental evidence demonstrating an impact on protein function has been reported. The following publication has been ascertained in the context of this evaluation (PMID: 32140910). Three submitters have cited clinical-significance assessments for this variant to ClinVar after 2014, classifying the variant as pathogenic (n=1) or likely pathogenic (n=2). Based on the evidence outlined above, the variant was classified as pathogenic.

Revvity Omics, Revvity
Classification: Likely pathogenic. Last evaluated: 2022-09-19. Review status: criteria provided, single submitter. Criteria: ACMG Guidelines, 2015. Collection method: clinical testing. Allele origin: germline. Not counted in ClinVar's aggregate classification.

Baylor Genetics
Classification: Likely pathogenic for Miyoshi muscular dystrophy 1. Last evaluated: 2022-09-03. Review status: criteria provided, single submitter. Criteria: ACMG Guidelines, 2015. Collection method: clinical testing. Allele origin: unknown. Not counted in ClinVar's aggregate classification.

Fulgent Genetics
Classification: Pathogenic for Autosomal recessive limb-girdle muscular dystrophy type 2B; Miyoshi muscular dystrophy 1; Distal myopathy with anterior tibial onset. Last evaluated: 2021-08-17. Review status: criteria provided, single submitter. Criteria: ACMG Guidelines, 2015. Collection method: clinical testing. Allele origin: unknown. Not counted in ClinVar's aggregate classification.

Myriad Genetics, Inc.
Classification: Likely pathogenic for Autosomal recessive limb-girdle muscular dystrophy. Last evaluated: 2019-12-28. Review status: criteria provided, single submitter. Criteria: Myriad Autosomal Dominant, Autosomal Recessive and X-Linked Classification Criteria (2023). Collection method: clinical testing. Allele origin: unknown. Not counted in ClinVar's aggregate classification.
Comment: NM_003494.3(DYSF):c.5044C>T(Q1682*) is expected to be pathogenic in the context of dysferlinopathy. This variant is predicted to lead to an abnormal or absent protein product due to the creation of a premature termination codon in DYSF, a gene where loss-of-function variants are known to be pathogenic. Please note: this variant was assessed in the context of healthy population screening.

Literature cited by the submitters: PubMed 32140910 (cited by Women's Health and Genetics/Laboratory Corporation of America, LabCorp).